The following is an entry in ClinVar:

NM_001844.5(COL2A1):c.251_252del (p.Glu84fs)

Gene: COL2A1 (collagen type II alpha 1 chain; minus strand). Cytogenetic location: 12q13.11.
Variant type: Microsatellite.
Coding change: c.251_252del on transcript NM_001844.5 (MANE Select); coding-DNA positions 251 to 252, 2 bases deleted (AG; older notation c.251_252delAG).
Protein change: p.Glu84fs; shifts the reading frame from glutamic acid 84.
Molecular consequence: frameshift variant. On other transcripts: intron variant (1).
Genome position (GRCh38, 1-based): chr12:47,999,959-47,999,960, CT deleted on the plus strand (AG on the coding strand, the reverse complement: COL2A1 is on the minus strand); deleting any 2 consecutive bases within chr12:47,999,959-47,999,963 gives the same sequence; the c. name uses the placement nearest the transcript's 3' end. VCF-style (leftmost placement, unchanged base first): chr12-47999958-ACT-A. GRCh37 (hg19) VCF-style: chr12-48393741-ACT-A.
Other names: c.86-1529_86-1528del (NM_033150.3); short protein forms E84fs.
Identifiers: ClinVar variation 5019149 (VCV005019149.1).
Genomic context (GRCh38, chr12:47,999,958, plus strand): 5'-AGGAAATAAATAAATTACAACCACTGGCAGTGGCGAGGTCAGTTGGGCAGATGGGGCAGC[ACT>A]CTCCGAAGGGGATCTCAGGGCTGAGGCAGTCTTTCACGTCTTCACAGATTATGTCGTCGC-3'

ClinVar aggregate classification (germline): Pathogenic (1 of 4 stars; one submission).

Conditions:
Stickler syndrome type 1 (STL1). Also called: STICKLER SYNDROME, MEMBRANOUS VITREOUS TYPE; STICKLER SYNDROME, VITREOUS TYPE 1; ARTHROOPHTHALMOPATHY, HEREDITARY PROGRESSIVE; COL2A1-Related Stickler Syndrome. Identifiers: Orphanet 828, Orphanet 90653, MedGen C2020284, MONDO:0007160, OMIM 108300.

Submission:

Juno Genomics, Hangzhou Juno Genomics, Inc
Classification: Pathogenic for Stickler syndrome type 1. Review status: criteria provided, single submitter. Criteria: ACMG Guidelines, 2015. Collection method: clinical testing. Allele origin: germline. Affected: yes.
Comment: Absent from controls (or at extremely low frequency if recessive) in Genome Aggregation Database.;Null variant in a gene where loss of function (LOF) is a known mechanism of disease.;The prevalence of the variant in affected individuals is significantly increased compared to the prevalence in controls.